The following is an entry in ClinVar:

ClinVar aggregate classification (germline): Uncertain significance (1 of 4 stars; one submission).

Conditions:
EGFR-related lung cancer (EGFR). Identifiers: MedGen CN130014.

gnomAD v4.1: 1 of 1,614,150 alleles (0.000062%); no homozygotes.

Submission:

Labcorp Genetics (formerly Invitae), Labcorp
Classification: Uncertain significance for EGFR-related lung cancer. Last evaluated: 2021-01-30. Review status: criteria provided, single submitter. Criteria: Invitae Variant Classification Sherloc (09022015). Collection method: clinical testing. Allele origin: germline.
Comment: In summary, the available evidence is currently insufficient to determine the role of this variant in disease. Therefore, it has been classified as a Variant of Uncertain Significance. Algorithms developed to predict the effect of missense changes on protein structure and function (SIFT, PolyPhen-2, Align-GVGD) all suggest that this variant is likely to be tolerated, but these predictions have not been confirmed by published functional studies and their clinical significance is uncertain. This variant has not been reported in the literature in individuals with EGFR-related conditions. This variant is not present in population databases (ExAC no frequency). This sequence change replaces serine with threonine at codon 995 of the EGFR protein (p.Ser995Thr). The serine residue is moderately conserved and there is a small physicochemical difference between serine and threonine.

NM_005228.5(EGFR):c.2983T>A (p.Ser995Thr)

Gene: EGFR (epidermal growth factor receptor; plus strand). Cytogenetic location: 7p11.2.
Variant type: single nucleotide variant.
Coding change: c.2983T>A on transcript NM_005228.5 (MANE Select); coding-DNA position 2983, T replaced by A.
Protein change: p.Ser995Thr; replaces serine 995 with threonine.
Molecular consequence: missense variant.
Genome position (GRCh38, 1-based): chr7:55,201,224, T>A. VCF-style: chr7-55201224-T-A. GRCh37 (hg19) VCF-style: chr7-55268917-T-A.
Other names: c.2848T>A, p.Ser950Thr (NM_001346897.2, NM_001346899.2); c.2983T>A, p.Ser995Thr (NM_001346898.2); c.2824T>A, p.Ser942Thr (NM_001346900.2); c.2182T>A, p.Ser728Thr (NM_001346941.2); short protein forms S728T, S995T, S942T, S950T.
Identifiers: ClinVar variation 1505805 (VCV001505805.8), dbSNP rs2128971542, ClinGen allele CA367582411.
Genomic context (GRCh38, chr7:55,201,224, plus strand): 5'-ATAGCCTCAAAATCTCTGCACCAGGGGGATGAAAGAATGCATTTGCCAAGTCCTACAGAC[T>A]CCAACTTCTACCGTGCCCTGATGGATGAAGAAGACATGGACGACGTGGTGGATGCCGACG-3'
Protein context (NP_005219.2, residues 985-1005): ERMHLPSPTD[Ser995Thr]NFYRALMDEE